The following is an entry in ClinVar:

ClinVar aggregate classification (germline): Uncertain significance. Review status: criteria provided, multiple submitters, no conflicts (2 of 4 stars). 2 submissions from 2 submitters: Uncertain significance (2). Last evaluated 2023-04-28.

Conditions:
Gnathodiaphyseal dysplasia (GDD). Also called: GNATHODIAPHYSEAL SCLEROSIS; OSTEOGENESIS IMPERFECTA WITH UNUSUAL SKELETAL LESIONS. Identifiers: Orphanet 53697, MedGen C1833736, MONDO:0008151, OMIM 166260.
Autosomal recessive limb-girdle muscular dystrophy type 2L (LGMDR12). Also called: Limb-girdle muscular dystrophy, type 2L; Limb-Girdle Muscular Dystrophy R12 Anoctamin-5-Related (LGMD-R12); MUSCULAR DYSTROPHY, LIMB-GIRDLE, AUTOSOMAL RECESSIVE 12. Identifiers: Orphanet 206549, MedGen C1969785, MONDO:0012652, OMIM 611307.

Allele frequency attached by ClinVar (database versions not stated): gnomAD exomes below 0.00001; TOPMed 0.00001.
gnomAD v4.1: 2 of 1,611,806 alleles (0.00012%); highest among the groups gnomAD compares: African/African-American, 0.0027%; no homozygotes.

Submissions (2):

Labcorp Genetics (formerly Invitae), Labcorp
Classification: Uncertain significance for Autosomal recessive limb-girdle muscular dystrophy type 2L; Gnathodiaphyseal dysplasia. Last evaluated: 2023-04-28. Review status: criteria provided, single submitter. Criteria: Invitae Variant Classification Sherloc (09022015). Collection method: clinical testing. Allele origin: germline.
Comment: In summary, the available evidence is currently insufficient to determine the role of this variant in disease. Therefore, it has been classified as a Variant of Uncertain Significance. Advanced modeling of protein sequence and biophysical properties (such as structural, functional, and spatial information, amino acid conservation, physicochemical variation, residue mobility, and thermodynamic stability) has been performed at Invitae for this missense variant, however the output from this modeling did not meet the statistical confidence thresholds required to predict the impact of this variant on ANO5 protein function. ClinVar contains an entry for this variant (Variation ID: 944855). This variant has not been reported in the literature in individuals affected with ANO5-related conditions. This variant is not present in population databases (gnomAD no frequency). This sequence change replaces glycine, which is neutral and non-polar, with glutamic acid, which is acidic and polar, at codon 463 of the ANO5 protein (p.Gly463Glu).

Revvity Omics, Revvity
Classification: Uncertain significance. Last evaluated: 2022-05-11. Review status: criteria provided, single submitter. Criteria: ACMG Guidelines, 2015. Collection method: clinical testing. Allele origin: germline.

NM_213599.3(ANO5):c.1388G>A (p.Gly463Glu)

Gene: ANO5 (anoctamin 5; plus strand). Cytogenetic location: 11p14.3.
Variant type: single nucleotide variant.
Coding change: c.1388G>A on transcript NM_213599.3 (MANE Select); coding-DNA position 1388, G replaced by A.
Protein change: p.Gly463Glu; replaces glycine 463 with glutamic acid.
Molecular consequence: missense variant.
Genome position (GRCh38, 1-based): chr11:22,257,735, G>A. VCF-style: chr11-22257735-G-A. GRCh37 (hg19) VCF-style: chr11-22279281-G-A.
Other names: c.1385G>A, p.Gly462Glu (NM_001142649.2); short protein forms G462E, G463E.
Identifiers: ClinVar variation 944855 (VCV000944855.12), dbSNP rs1854050845, ClinGen allele CA379921829.